The following is an entry in ClinVar:

ClinVar aggregate classification (germline): Pathogenic (1 of 4 stars; one submission).

Submission:

Labcorp Genetics (formerly Invitae), Labcorp
Classification: Pathogenic. Last evaluated: 2017-08-17. Review status: criteria provided, single submitter. Criteria: Invitae Variant Classification Sherloc (09022015). Collection method: clinical testing. Allele origin: germline.
Comment: This variant is not present in population databases (ExAC no frequency). This sequence change creates a premature translational stop signal (p.Gln154*) in the FOXP2 gene. It is expected to result in an absent or disrupted protein product. This variant has not been reported in the literature in individuals with a FOXP2-related disease. For these reasons, this variant has been classified as Pathogenic. Loss-of-function variants in FOXP2 are known to be pathogenic (PMID: 15877281, 23918746, 16984964).

Literature cited by the submitters: PubMed 15877281; PubMed 23918746; PubMed 16984964.

NM_014491.4(FOXP2):c.460C>T (p.Gln154Ter)

Gene: FOXP2 (forkhead box P2; plus strand). Cytogenetic location: 7q31.1.
Variant type: single nucleotide variant.
Coding change: c.460C>T on transcript NM_014491.4 (MANE Select); coding-DNA position 460, C replaced by T.
Protein change: p.Gln154Ter; replaces glutamine 154 with a stop codon.
Molecular consequence: nonsense. On other transcripts: non-coding transcript variant (2).
Genome position (GRCh38, 1-based): chr7:114,629,868, C>T. VCF-style: chr7-114629868-C-T. GRCh37 (hg19) VCF-style: chr7-114269923-C-T.
Other names: c.460C>T, p.Gln154Ter (NM_001172766.3, NM_148899.3); c.535C>T, p.Gln179Ter (NM_001172767.2, NM_148898.4); c.511C>T, p.Gln171Ter (NM_148900.4); short protein forms Q154*, Q171*, Q179*.
Identifiers: ClinVar variation 1072833 (VCV001072833.7), dbSNP rs2129327420, ClinGen allele CA368962077.